The following is an entry in ClinVar:

NM_014714.4(IFT140):c.3223GAG[1] (p.Glu1076del)

Gene: IFT140 (intraflagellar transport 140; minus strand). Cytogenetic location: 16p13.3.
Variant type: Microsatellite.
Coding change: c.3223GAG[1] on transcript NM_014714.4 (MANE Select); one copy of the 3-base unit GAG starting at c.3223; the reference has two copies in a row; one copy, 3 bases deleted.
Protein change: p.Glu1076del; deletes glutamic acid 1076.
Molecular consequence: inframe deletion.
Genome position (GRCh38, 1-based): chr16:1,523,870-1,523,872, CTC deleted on the plus strand (GAG on the coding strand, the reverse complement: IFT140 is on the minus strand); deleting any 3 consecutive bases within chr16:1,523,870-1,523,875 gives the same sequence; the position shown is the placement nearest the transcript's 3' end. VCF-style (leftmost placement, unchanged base first): chr16-1523869-TCTC-T. GRCh37 (hg19) VCF-style: chr16-1573870-TCTC-T.
Other names: short protein forms E1076del.
Identifiers: ClinVar variation 2064834 (VCV002064834.3), dbSNP rs751137457, ClinGen allele CA7813250.
Genomic context (GRCh38, chr16:1,523,869, plus strand): 5'-ACCGGTGGCCAGCCCTCACCTTGTGGTACAGCATGACCGCCCTGTCCATCTGCACGCCCT[TCTC>T]CTCGTAGTATCGGGCCGCCTCGATCATGTCCTCGGGGGAGCTCAGCAGGGCCAAGTTCAT-3'

ClinVar aggregate classification (germline): Uncertain significance. Review status: criteria provided, multiple submitters, no conflicts (2 of 4 stars). 2 submissions from 2 submitters: Uncertain significance (2). Last evaluated 2024-11-06.

Conditions:
Saldino-Mainzer syndrome (SRTD9). Also called: CONORENAL SYNDROME; short-rib thoracic dysplasia 9 with or without polydactyly; Renal dysplasia, retinal pigmentary dystrophy, cerebellar ataxia and skeletal dysplasia; SHORT-RIB THORACIC DYSPLASIA 9 WITHOUT POLYDACTYLY. Identifiers: Orphanet 140969, MedGen C1849437, MONDO:0009964, OMIM 266920.

Submissions (2):

Blueprint Genetics
Classification: Uncertain significance. Last evaluated: 2024-11-06. Review status: criteria provided, single submitter. Criteria: ACMG Guidelines, 2015. Collection method: clinical testing. Allele origin: germline.

Labcorp Genetics (formerly Invitae), Labcorp
Classification: Uncertain significance for Saldino-Mainzer syndrome. Last evaluated: 2022-07-25. Review status: criteria provided, single submitter. Criteria: Invitae Variant Classification Sherloc (09022015). Collection method: clinical testing. Allele origin: germline.
Comment: This variant, c.3226_3228del, results in the deletion of 1 amino acid(s) of the IFT140 protein (p.Glu1076del), but otherwise preserves the integrity of the reading frame. In summary, the available evidence is currently insufficient to determine the role of this variant in disease. Therefore, it has been classified as a Variant of Uncertain Significance. Experimental studies and prediction algorithms are not available or were not evaluated, and the functional significance of this variant is currently unknown. This variant has not been reported in the literature in individuals affected with IFT140-related conditions. This variant is present in population databases (rs751137457, gnomAD 0.003%).